The following is an entry in ClinVar:

ClinVar aggregate classification (germline): Uncertain significance (1 of 4 stars; one submission).

Submission:

GeneDx
Classification: Uncertain significance. Last evaluated: 2019-11-07. Review status: criteria provided, single submitter. Criteria: GeneDx Variant Classification Process June 2021. Collection method: clinical testing. Allele origin: germline. Affected: yes.
Comment: Not observed in large population cohorts (Lek et al., 2016); In silico analysis, which includes protein predictors and evolutionary conservation, supports a deleterious effect; Has not been previously published as pathogenic or benign to our knowledge

NM_007327.4(GRIN1):c.1902G>A (p.Met634Ile)

Gene: GRIN1 (glutamate ionotropic receptor NMDA type subunit 1; plus strand). Cytogenetic location: 9q34.3.
Variant type: single nucleotide variant.
Coding change: c.1902G>A on transcript NM_007327.4 (MANE Select); coding-DNA position 1902, G replaced by A.
Protein change: p.Met634Ile; replaces methionine 634 with isoleucine.
Molecular consequence: missense variant.
Genome position (GRCh38, 1-based): chr9:137,162,628, G>A. VCF-style: chr9-137162628-G-A. GRCh37 (hg19) VCF-style: chr9-140057080-G-A.
Other names: c.1902G>A, p.Met634Ile (NM_000832.7, NM_021569.4); c.1965G>A, p.Met655Ile (NM_001185090.2, NM_001185091.2); short protein forms M634I, M655I.
Identifiers: ClinVar variation 1218461 (VCV001218461.3), dbSNP rs2131299071, ClinGen allele CA375720428.
Genomic context (GRCh38, chr9:137,162,628, plus strand): 5'-CAGAGCCCCCCGCCCGCCCACAGGCGCCCCCAGAAGCTTCTCAGCGCGCATCCTGGGCAT[G>A]GTGTGGGCCGGCTTTGCCATGATCATCGTGGCCTCCTACACCGCCAACCTGGCGGCCTTC-3'
Protein context (NP_015566.1, residues 624-644): PRSFSARILG[Met634Ile]VWAGFAMIIV